The following is an entry in ClinVar:

ClinVar aggregate classification (germline): Uncertain significance (1 of 4 stars; one submission).

Conditions:
Cranioectodermal dysplasia 1 (CED1). Also called: LEVIN SYNDROME I. Identifiers: Orphanet 1515, MedGen C0432235, MONDO:0021093, OMIM 218330.

Allele frequency attached by ClinVar (database versions not stated): ExAC 0.00002.
gnomAD v4.1: 5 of 1,613,888 alleles (0.00031%); highest among the groups gnomAD compares: Admixed American, 0.0083%; no homozygotes.

Submission:

Labcorp Genetics (formerly Invitae), Labcorp
Classification: Uncertain significance for Cranioectodermal dysplasia 1. Last evaluated: 2022-10-19. Review status: criteria provided, single submitter. Criteria: Invitae Variant Classification Sherloc (09022015). Collection method: clinical testing. Allele origin: germline.
Comment: In summary, the available evidence is currently insufficient to determine the role of this variant in disease. Therefore, it has been classified as a Variant of Uncertain Significance. Algorithms developed to predict the effect of missense changes on protein structure and function (SIFT, PolyPhen-2, Align-GVGD) all suggest that this variant is likely to be tolerated. This variant has not been reported in the literature in individuals affected with IFT122-related conditions. This variant is present in population databases (rs748920979, gnomAD 0.01%). This sequence change replaces glutamic acid, which is acidic and polar, with aspartic acid, which is acidic and polar, at codon 502 of the IFT122 protein (p.Glu502Asp).

NM_052989.3(IFT122):c.1353G>T (p.Glu451Asp)

Gene: IFT122 (intraflagellar transport 122; plus strand). Cytogenetic location: 3q21.3.
Variant type: single nucleotide variant.
Coding change: c.1353G>T on transcript NM_052989.3 (MANE Select); coding-DNA position 1353, G replaced by T.
Protein change: p.Glu451Asp; replaces glutamic acid 451 with aspartic acid.
Molecular consequence: missense variant.
Genome position (GRCh38, 1-based): chr3:129,479,787, G>T. VCF-style: chr3-129479787-G-T. GRCh37 (hg19) VCF-style: chr3-129198630-G-T.
Other names: c.1329G>T, p.Glu443Asp (NM_001280541.2); c.903G>T, p.Glu301Asp (NM_001280545.2); c.726G>T, p.Glu242Asp (NM_001280546.2); c.1353G>T, p.Glu451Asp (NM_001410808.1, NM_001410809.1); c.1176G>T, p.Glu392Asp (NM_001410810.1, NM_001410811.1, NM_001410813.1 and 1 more transcripts); c.1020G>T, p.Glu340Asp (NM_001410815.1, NM_001410817.1, NM_052990.3); c.1506G>T, p.Glu502Asp (NM_052985.4); short protein forms E392D, E451D, E301D, E340D, E242D, E443D, E502D.
Identifiers: ClinVar variation 2039225 (VCV002039225.4), dbSNP rs748920979, ClinGen allele CA2606145.